The following is an entry in ClinVar:

NM_020964.3(EPG5):c.4923A>C (p.Glu1641Asp)

Gene: EPG5 (ectopic P-granules 5 autophagy tethering factor; minus strand). Cytogenetic location: 18q12.3.
Variant type: single nucleotide variant.
Coding change: c.4923A>C on transcript NM_020964.3 (MANE Select); coding-DNA position 4923, A replaced by C.
Protein change: p.Glu1641Asp; replaces glutamic acid 1641 with aspartic acid.
Molecular consequence: missense variant.
Genome position (GRCh38, 1-based): chr18:45,889,827, T>G on the plus strand (A>C on the coding strand, the complement: EPG5 is on the minus strand). VCF-style: chr18-45889827-T-G. GRCh37 (hg19) VCF-style: chr18-43469792-T-G.
Other names: short protein forms E1641D.
Identifiers: ClinVar variation 1441178 (VCV001441178.9), dbSNP rs1383396807, ClinGen allele CA402346863.

ClinVar aggregate classification (germline): Uncertain significance (1 of 4 stars; one submission).

Conditions:
Vici syndrome (VICIS). Identifiers: Orphanet 1493, MedGen C1855772, MONDO:0009452, OMIM 242840.

Submission:

Labcorp Genetics (formerly Invitae), Labcorp
Classification: Uncertain significance for Vici syndrome. Last evaluated: 2021-12-02. Review status: criteria provided, single submitter. Criteria: Invitae Variant Classification Sherloc (09022015). Collection method: clinical testing. Allele origin: germline.
Comment: In summary, the available evidence is currently insufficient to determine the role of this variant in disease. Therefore, it has been classified as a Variant of Uncertain Significance. Algorithms developed to predict the effect of missense changes on protein structure and function are either unavailable or do not agree on the potential impact of this missense change (SIFT: "Tolerated"; PolyPhen-2: "Probably Damaging"; Align-GVGD: "Class C0"). This variant has not been reported in the literature in individuals affected with EPG5-related conditions. This variant is not present in population databases (gnomAD no frequency). This sequence change replaces glutamic acid, which is acidic and polar, with aspartic acid, which is acidic and polar, at codon 1641 of the EPG5 protein (p.Glu1641Asp).